The following is an entry in ClinVar:

NM_000275.3(OCA2):c.1784+3A>G

Gene: OCA2 (OCA2 melanosomal transmembrane protein; minus strand). Cytogenetic location: 15q13.1.
Variant type: single nucleotide variant.
Coding change: c.1784+3A>G on transcript NM_000275.3 (MANE Select); 3 bases into the intron after coding-DNA position 1784, A replaced by G.
Molecular consequence: intron variant.
Genome position (GRCh38, 1-based): chr15:27,957,585, T>C on the plus strand (A>G on the coding strand, the complement: OCA2 is on the minus strand). VCF-style: chr15-27957585-T-C. GRCh37 (hg19) VCF-style: chr15-28202731-T-C.
Other names: c.1712+3A>G (NM_001300984.2).
Identifiers: ClinVar variation 2000701 (VCV002000701.4), dbSNP rs772202517, ClinGen allele CA7438926.

ClinVar aggregate classification (germline): Uncertain significance (1 of 4 stars; one submission).

Allele frequency attached by ClinVar (database versions not stated): ExAC 0.00001.
gnomAD v4.1: 2 of 1,612,364 alleles (0.00012%); highest among the groups gnomAD compares: Admixed American, 0.0033%; no homozygotes.

Submission:

Labcorp Genetics (formerly Invitae), Labcorp
Classification: Uncertain significance. Last evaluated: 2022-05-29. Review status: criteria provided, single submitter. Criteria: Invitae Variant Classification Sherloc (09022015). Collection method: clinical testing. Allele origin: germline.
Comment: This sequence change falls in intron 16 of the OCA2 gene. It does not directly change the encoded amino acid sequence of the OCA2 protein. It affects a nucleotide within the consensus splice site. This variant is present in population databases (rs772202517, gnomAD 0.006%). This variant has not been reported in the literature in individuals affected with OCA2-related conditions. Variants that disrupt the consensus splice site are a relatively common cause of aberrant splicing (PMID: 17576681, 9536098). Algorithms developed to predict the effect of sequence changes on RNA splicing suggest that this variant may create or strengthen a splice site. In summary, the available evidence is currently insufficient to determine the role of this variant in disease. Therefore, it has been classified as a Variant of Uncertain Significance.

Literature cited by the submitters: PubMed 17576681; PubMed 9536098.